The following is an entry in ClinVar:

NM_001037333.3(CYFIP2):c.1041G>A (p.Glu347=)

Gene: CYFIP2 (cytoplasmic FMR1 interacting protein 2; plus strand). Cytogenetic location: 5q33.3.
Variant type: single nucleotide variant.
Coding change: c.1041G>A on transcript NM_001037333.3 (MANE Select); coding-DNA position 1041, G replaced by A.
Protein change: p.Glu347=; no amino-acid change (glutamic acid 347 retained).
Molecular consequence: synonymous variant.
Genome position (GRCh38, 1-based): chr5:157,311,712, G>A. VCF-style: chr5-157311712-G-A. GRCh37 (hg19) VCF-style: chr5-156738720-G-A.
Other names: c.963G>A, p.Glu321= (NM_001291721.2); c.1041G>A, p.Glu347= (NM_001291722.2, NM_014376.4).
Identifiers: ClinVar variation 1548896 (VCV001548896.31), dbSNP rs373676501, ClinGen allele CA3533522.

ClinVar aggregate classification (germline): Likely benign. Review status: criteria provided, multiple submitters, no conflicts (2 of 4 stars). 2 submissions from 2 submitters: Likely benign (2). Last evaluated 2025-12-05.

Allele frequency attached by ClinVar (database versions not stated): gnomAD exomes 0.00009 and 0.00021; TOPMed 0.00012; gnomAD 0.00013 and 0.00015; ExAC 0.00014; ESP Exome Variant Server 0.00023.
gnomAD v4.1: 321 of 1,610,492 alleles (0.02%); highest among the groups gnomAD compares: Non-Finnish European, 0.027%; no homozygotes.

Submissions (2):

Labcorp Genetics (formerly Invitae), Labcorp
Classification: Likely benign. Last evaluated: 2025-12-05. Review status: criteria provided, single submitter. Criteria: Invitae Variant Classification Sherloc (09022015). Collection method: clinical testing. Allele origin: germline.

CeGaT Center for Human Genetics Tuebingen
Classification: Likely benign. Last evaluated: 2022-10-01. Review status: criteria provided, single submitter. Criteria: CeGaT Center For Human Genetics Tuebingen Variant Classification Criteria Version 2. Collection method: clinical testing. Allele origin: germline. Affected: yes. Observed: 1 variant allele.
Comment: CYFIP2: BP4